The following is an entry in ClinVar:

NM_004360.5(CDH1):c.2239G>A (p.Asp747Asn)

Gene: CDH1 (cadherin 1; plus strand). Cytogenetic location: 16q22.1.
Variant type: single nucleotide variant.
Coding change: c.2239G>A on transcript NM_004360.5 (MANE Select); coding-DNA position 2239, G replaced by A.
Protein change: p.Asp747Asn; replaces aspartic acid 747 with asparagine.
Molecular consequence: missense variant.
Genome position (GRCh38, 1-based): chr16:68,828,248, G>A. VCF-style: chr16-68828248-G-A. GRCh37 (hg19) VCF-style: chr16-68862151-G-A.
Other names: c.2239G>A (LRG_301t1); c.2056G>A, p.Asp686Asn (NM_001317184.2); c.691G>A, p.Asp231Asn (NM_001317185.2); c.274G>A, p.Asp92Asn (NM_001317186.2); short protein forms D747N, D686N, D231N, D92N.
Identifiers: ClinVar variation 489855 (VCV000489855.6), dbSNP rs769819324, ClinGen allele CA283314848.

ClinVar aggregate classification (germline): Uncertain significance. Review status: criteria provided, multiple submitters, no conflicts (2 of 4 stars). 3 submissions from 3 submitters: Uncertain significance (3). Last evaluated 2025-04-23.

Conditions:
Hereditary cancer-predisposing syndrome. Also called: Hereditary Cancer Syndrome; Neoplastic Syndromes, Hereditary; Tumor predisposition; Hereditary neoplastic syndrome. Identifiers: Orphanet 140162, MedGen C0027672, MeSH D009386, MONDO:0015356.

Allele frequency attached by ClinVar (database versions not stated): gnomAD exomes below 0.00001.
gnomAD v4.1: 1 of 1,614,104 alleles (0.000062%); highest among the groups gnomAD compares: Middle Eastern, 0.016%; no homozygotes.

Submissions (3):

Quest Diagnostics Nichols Institute San Juan Capistrano
Classification: Uncertain significance. Last evaluated: 2025-04-23. Review status: criteria provided, single submitter. Criteria: Quest Diagnostics criteria. Collection method: clinical testing. Allele origin: unknown.
Comment: The CDH1 c.2239G>A (p.Asp747Asn) variant has not been reported in individuals with CDH1-related conditions in the published literature. It also has not been reported in large, multi-ethnic general populations (Genome Aggregation Database). Analysis of this variant using bioinformatics tools for the prediction of the effect of amino acid changes on protein structure and function yielded conflicting predictions that this variant is benign or damaging. Based on the available information, we are unable to determine the clinical significance of this variant.

Ambry Genetics
Classification: Uncertain significance for Hereditary cancer-predisposing syndrome. Last evaluated: 2025-01-03. Review status: criteria provided, single submitter. Criteria: Ambry Variant Classification Scheme 2023. Collection method: clinical testing. Allele origin: germline.
Comment: The p.D747N variant (also known as c.2239G>A), located in coding exon 14 of the CDH1 gene, results from a G to A substitution at nucleotide position 2239. The aspartic acid at codon 747 is replaced by asparagine, an amino acid with highly similar properties. This amino acid position is conserved. In addition, this alteration is predicted to be tolerated by in silico analysis. Based on the available evidence, the clinical significance of this variant remains unclear.

Color Diagnostics, LLC DBA Color Health
Classification: Uncertain significance for Hereditary cancer-predisposing syndrome. Last evaluated: 2018-12-31. Review status: criteria provided, single submitter. Criteria: ACMG Guidelines, 2015. Collection method: clinical testing. Allele origin: germline.